The following is an entry in ClinVar:

ClinVar aggregate classification (germline): Likely pathogenic. Review status: reviewed by expert panel (3 of 4 stars). 27 submissions from 26 submitters: Likely pathogenic (1). 26 of the submissions do not count toward it. Last evaluated 2026-09-14.

Conditions:
Arthrogryposis multiplex congenita 6. Identifiers: MedGen C5543431, MONDO:0030281, OMIM 619334.
Limb pain. Identifiers: MedGen C0030196, HP:0009763.
Muscular dystrophy. Identifiers: Orphanet 98473, MedGen C0026850, MeSH D009136, MONDO:0020121, HP:0003560.
Progressive proximal muscle weakness. Identifiers: MedGen C1836156, HP:0009073.
Nemaline myopathy 2 (NEM2). Also called: Nemaline myopathy 2, autosomal recessive. Identifiers: MedGen C1850569, MONDO:0009725, OMIM 256030.
NEB-related disorder. Also called: NEB-Related Disorders; NEB-related condition.
Nemaline myopathy. Also called: Myopathies, Nemaline. Identifiers: Orphanet 607, MedGen C0206157, MONDO:0018958.

Allele frequency attached by ClinVar (database versions not stated): TOPMed 0.00020; gnomAD exomes 0.00027 and 0.00031; 1000 Genomes Project 30x 0.00031; 1000 Genomes Project 0.00040; ExAC 0.00041; gnomAD 0.00061.
gnomAD v4.1: 479 of 1,548,396 alleles (0.031%); highest among the groups gnomAD compares: Non-Finnish European, 0.035%; no homozygotes.

Submissions 1 to 10 of 27:

ClinGen Congenital Myopathies Variant Curation Expert Panel, ClinGen
Classification: Likely pathogenic for Nemaline myopathy. Last evaluated: 2026-09-14. Review status: reviewed by expert panel. Criteria: ClinGen CongenMyopathy ACMG Specifications NEB V1.0.0. Collection method: curation. Allele origin: germline. Inheritance: Autosomal recessive inheritance.
Comment: The NM_001164508.2(NEB):c.23989C>T (p.Arg7997Ter) variant in NEB is a nonsense variant predicted to cause a premature stop codon in biologically-relevant-exon 168/182 leading to nonsense mediated decay in a gene in which loss-of-function is an established disease mechanism (PVS1). The total filtering allele frequency in gnomAD v4.1.1 is 0.0003224 (402/1144958) in the European (non-Finnish) population, which is higher than the ClinGen Congenital Myopathies VCEP threshold (≥0.000237) for BS1. However, due to convincing case-level evidence and the absence of homozygotes in gnomAD v4.1.1 which is supportive of autosomal recessive pathogenicity, BS1 was not counted. This variant has been detected in 2 individuals with features of congenital myopathy who were compound heterozygous for the variant and another deletion variants in NEB (PM3_Supporting, PMID: 40517164; Labcorp Genetics, ClinVar SCV000814554.9). In summary, this variant meets the criteria to be classified as likely pathogenic for autosomal recessive nemaline myopathy based on the ACMG/AMP criteria applied, as specified by the ClinGen Congenital Myopathies VCEP: PVS1, PM3_Supporting (ClinGen Congenital Myopathies VCEP specifications version 1.0)

Labcorp Genetics (formerly Invitae), Labcorp
Classification: Pathogenic for Nemaline myopathy 2. Last evaluated: 2026-02-04. Review status: criteria provided, single submitter. Criteria: Invitae Variant Classification Sherloc (09022015). Collection method: clinical testing. Allele origin: germline. Not counted in ClinVar's aggregate classification.
Comment: This sequence change creates a premature translational stop signal (p.Arg8032*) in the NEB gene. It is expected to result in an absent or disrupted protein product. Loss-of-function variants in NEB are known to be pathogenic (PMID: 25205138). This variant is present in population databases (rs549794342, gnomAD 0.06%). This variant has not been reported in the literature in individuals affected with NEB-related conditions. ClinVar contains an entry for this variant (Variation ID: 373977). Algorithms developed to predict the effect of sequence changes on RNA splicing suggest that this variant may disrupt the consensus splice site. For these reasons, this variant has been classified as Pathogenic.

CeGaT Center for Human Genetics Tuebingen
Classification: Pathogenic. Last evaluated: 2025-12-01. Review status: criteria provided, single submitter. Criteria: CeGaT Center For Human Genetics Tuebingen Variant Classification Criteria Version 2. Collection method: clinical testing. Allele origin: germline. Affected: yes. Observed: 12 variant alleles. Not counted in ClinVar's aggregate classification.
Comment: NEB: PVS1, PM3, PM2:Supporting

GeneDx
Classification: Pathogenic. Last evaluated: 2025-08-05. Review status: criteria provided, single submitter. Criteria: GeneDx Variant Classification Process June 2021. Collection method: clinical testing. Allele origin: germline. Affected: yes. Not counted in ClinVar's aggregate classification.
Comment: Identified in a pregnancy loss with an unspecified fetal anomaly (PMID: 33100332); Nonsense variant predicted to result in protein truncation or nonsense mediated decay in a gene for which loss of function is a known mechanism of disease; This variant is associated with the following publications: (PMID: 31980526, 32721234, 31589614, 33100332, 39802796, 38167091)

Natera, Inc.
Classification: Likely pathogenic for Nemaline myopathy type 2. Last evaluated: 2025-07-23. Review status: criteria provided, single submitter. Criteria: Natera Variant Classification Schema (03/2026). Collection method: clinical testing. Allele origin: germline. Not counted in ClinVar's aggregate classification.
Comment: The c.24094C>T variant in NEB is a nonsense variant predicted to introduce a stop codon at amino acid 8032. This variant is expected to result in nonsense mediated decay, truncation, or a dysfunctional protein product. This variant has been observed in one or more individuals affected with the associated recessive disease, as either homozygous or compound heterozygous with a second variant (PMID: 40517164). Given the available evidence, this variant is classified as Likely Pathogenic.

Women's Health and Genetics/Laboratory Corporation of America, LabCorp
Classification: Pathogenic for Nemaline myopathy. Last evaluated: 2025-07-15. Review status: criteria provided, single submitter. Criteria: LabCorp Variant Classification Summary - May 2015. Collection method: clinical testing. Allele origin: germline. Not counted in ClinVar's aggregate classification.
Comment: Variant summary: NEB c.24094C>T (p.Arg8032X) results in a premature termination codon, predicted to cause a truncation of the encoded protein or absence of the protein due to nonsense mediated decay, which are commonly known mechanisms for disease. The variant allele was found at a frequency of 0.00027 in 157874 control chromosomes. This frequency is not significantly higher than estimated for a pathogenic variant in NEB causing Nemaline Myopathy 2 (0.00027 vs 0.0035), allowing no conclusion about variant significance. c.24094C>T has been observed in individual(s) affected with Nemaline Myopathy 2 (example: Zhao_2021). The following publication has been ascertained in the context of this evaluation (PMID: 33100332). ClinVar contains an entry for this variant (Variation ID: 373977). Based on the evidence outlined above, the variant was classified as pathogenic.

Dasa
Classification: Likely pathogenic. Last evaluated: 2025-05-08. Review status: criteria provided, single submitter. Criteria: DASA Assertion Criteria. Collection method: clinical testing. Allele origin: germline. Not counted in ClinVar's aggregate classification.
Comment: NM_001164508.2(NEB):c.23989C>T (p.Arg7997Ter) is a nonsense variant in NEB predicted to introduce a premature termination codon and is predicted to result in an absent or altered protein product. Loss of function is an established disease mechanism for NEB-associated disorders. This variant has been recurrently observed in individuals with NEB-related disorders (PMID: 39802796; PMID: 31980526). Also, this variant is rare in population databases. Based on the currently available evidence, this variant is classified as likely pathogenic.

Broad Center for Mendelian Genomics, Broad Institute of MIT and Harvard
Classification: Uncertain significance for Nemaline myopathy. Last evaluated: 2025-02-26. Review status: criteria provided, single submitter. Criteria: ACMG Guidelines, 2015. Collection method: curation. Allele origin: germline. Inheritance: Autosomal recessive inheritance. Not counted in ClinVar's aggregate classification.
Comment: The p.Arg7997Ter (p.Arg8032Ter) variant in NEB has not been previously reported in the literature in individuals with nemaline myopathy, and has been identified in 0.07% (41/59758) of European (Finnish) chromosomes by the Genome Aggregation Database (gnomAD; dbSNP rs549794342). This variant has been seen in the general population, in a heterozygous state, at a greater rate than expected for the disorder. The p.Arg7997Ter variant has been reported in several publications, but never in cases with an established diagnosis with nemaline myopathy. This variant has been detected in carriers and in cases with non-specific phenotype or pregnancy loss due to fetal anomaly (Personal communication, PMID: 33100332, 32721234, 31980526, 31589614, 38167091). This variant has also been reported in ClinVar (Variation ID: 373977) and has been interpreted as pathogenic/likely pathogenic by multiple submitters and as a variant of uncertain significance by Counsyl. This nonsense variant leads to a premature termination codon at position 7997, which is predicted to lead to a truncated or absent protein. Expression data indicates that this exon might not be biologically relevant for this disease, and therefore this variant may not result in loss of function of NEB. Loss of function of the NEB gene is an established disease mechanism in autosomal recessive nemaline myopathy. In summary, the clinical significance of the p.Arg7997Ter variant is uncertain. ACMG/AMP Criteria applied: PVS1, BS1 (Richards 2015).

Laboratory of Genetics, Children's Clinical University Hospital Latvia
Classification: Pathogenic. Last evaluated: 2025-02-16. Review status: criteria provided, single submitter. Criteria: ACMG Guidelines, 2015. Collection method: clinical testing. Allele origin: germline. Affected: yes. Not counted in ClinVar's aggregate classification.

Revvity Omics, Revvity
Classification: Likely pathogenic. Last evaluated: 2024-12-12. Review status: criteria provided, single submitter. Criteria: ACMG Guidelines, 2015. Collection method: clinical testing. Allele origin: germline. Not counted in ClinVar's aggregate classification.

NM_001164508.2(NEB):c.23989C>T (p.Arg7997Ter)

Genes: NEB (nebulin; minus strand), RIF1 (replication timing regulatory factor 1; plus strand). Cytogenetic location: 2q23.3.
Variant type: single nucleotide variant.
Coding change: c.23989C>T on transcript NM_001164508.2 (MANE Select); coding-DNA position 23989, C replaced by T.
Protein change: p.Arg7997Ter; replaces arginine 7997 with a stop codon.
Molecular consequence: nonsense. On other transcripts: intron variant (1).
Genome position (GRCh38, 1-based): chr2:151,501,423, G>A on the plus strand (C>T on the coding strand, the complement: NEB is on the minus strand). VCF-style: chr2-151501423-G-A. GRCh37 (hg19) VCF-style: chr2-152357937-G-A.
Other names: p.Arg8032*; NM_001164508.2(NEB):c.23989C>T; p.Arg7997Ter; c.23989C>T, p.Arg7997Ter (NM_001164507.2); c.24094C>T, p.Arg8032Ter (NM_001271208.2); c.18825+1370C>T (NM_004543.5); short protein forms R8032*, R7997*.
Identifiers: ClinVar variation 373977 (VCV000373977.87), dbSNP rs549794342, ClinGen allele CA1906173.